The following is an entry in ClinVar:

ClinVar aggregate classification (germline): Benign/Likely benign. Review status: criteria provided, multiple submitters, no conflicts (2 of 4 stars). 8 submissions from 8 submitters: Benign (3); Likely benign (5). Last evaluated 2026-07-01.

Conditions:
Amish lethal microcephaly (MCPHA). Also called: MICROCEPHALY, AMISH TYPE; THIAMINE METABOLISM DYSFUNCTION SYNDROME 3 (MICROCEPHALY TYPE). Identifiers: Orphanet 99742, MedGen C1846648, MONDO:0011790, OMIM 607196.

Allele frequency attached by ClinVar (database versions not stated): gnomAD exomes 0.00020 and 0.00057; ExAC 0.00080; gnomAD 0.00202 and 0.00215; ESP Exome Variant Server 0.00223; TOPMed 0.00229; 1000 Genomes Project 30x 0.00312; 1000 Genomes Project 0.00319.
gnomAD v4.1: 621 of 1,614,056 alleles (0.038%); highest among the groups gnomAD compares: African/African-American, 0.62%; 2 homozygotes.

Submissions (8):

CeGaT Center for Human Genetics Tuebingen
Classification: Likely benign. Last evaluated: 2026-07-01. Review status: criteria provided, single submitter. Criteria: CeGaT Center For Human Genetics Tuebingen Variant Classification Criteria Version 2. Collection method: clinical testing. Allele origin: germline. Affected: yes. Observed: 1 variant allele.
Comment: SLC25A19: BP4, BP7

Labcorp Genetics (formerly Invitae), Labcorp
Classification: Benign. Last evaluated: 2025-11-10. Review status: criteria provided, single submitter. Criteria: Invitae Variant Classification Sherloc (09022015). Collection method: clinical testing. Allele origin: germline.

Blueprint Genetics
Classification: Likely benign. Last evaluated: 2024-10-15. Review status: criteria provided, single submitter. Criteria: ACMG Guidelines, 2015. Collection method: clinical testing. Allele origin: germline.

GeneDx
Classification: Likely benign. Last evaluated: 2020-12-29. Review status: criteria provided, single submitter. Criteria: GeneDx Variant Classification Process June 2021. Collection method: clinical testing. Allele origin: germline. Affected: yes.

Illumina Laboratory Services, Illumina
Classification: Likely benign for Amish lethal microcephaly. Last evaluated: 2018-01-12. Review status: criteria provided, single submitter. Criteria: ICSL Variant Classification Criteria 13 December 2019. Collection method: clinical testing. Allele origin: germline.
Comment: This variant was observed in the ICSL laboratory as part of a predisposition screen in an ostensibly healthy population. It had not been previously curated by ICSL or reported in the Human Gene Mutation Database (HGMD: prior to June 1st, 2018), and was therefore a candidate for classification through an automated scoring system. Utilizing variant allele frequency, disease prevalence and penetrance estimates, and inheritance mode, an automated score was calculated to assess if this variant is too frequent to cause the disease. Based on the score and internal cut-off values, a variant classified as likely benign is not then subjected to further curation. The score for this variant resulted in a classification of likely benign for this disease.

ARUP Laboratories, Molecular Genetics and Genomics, ARUP Laboratories
Classification: Benign. Last evaluated: 2017-07-07. Review status: criteria provided, single submitter. Criteria: ARUP Molecular Germline Variant Investigation Process. Collection method: clinical testing. Allele origin: germline.

Genetic Services Laboratory, University of Chicago
Classification: Likely benign. Last evaluated: 2015-11-19. Review status: criteria provided, single submitter. Criteria: ACMG Guidelines, 2015. Collection method: clinical testing. Allele origin: germline. Affected: no.

Eurofins Ntd Llc (ga)
Classification: Benign. Last evaluated: 2015-05-27. Review status: criteria provided, single submitter. Criteria: EGL Classification Definitions 2015. Collection method: clinical testing. Allele origin: germline. Observed: 1 variant allele, 1 heterozygote.

NM_001126121.2(SLC25A19):c.483C>T (p.Ala161=)

Gene: SLC25A19 (solute carrier family 25 member 19; minus strand). Cytogenetic location: 17q25.1.
Variant type: single nucleotide variant.
Coding change: c.483C>T on transcript NM_001126121.2 (MANE Select); coding-DNA position 483, C replaced by T.
Protein change: p.Ala161=; no amino-acid change (alanine 161 retained).
Molecular consequence: synonymous variant.
Genome position (GRCh38, 1-based): chr17:75,278,312, G>A on the plus strand (C>T on the coding strand, the complement: SLC25A19 is on the minus strand). VCF-style: chr17-75278312-G-A. GRCh37 (hg19) VCF-style: chr17-73274393-G-A.
Other names: c.483C>T, p.Ala161= (NM_001126122.2, NM_021734.5).
Identifiers: ClinVar variation 198248 (VCV000198248.31), dbSNP rs142281464, ClinGen allele CA203327.